The following is an entry in ClinVar:

ClinVar aggregate classification (germline): Likely benign. Review status: criteria provided, multiple submitters, no conflicts (2 of 4 stars). 2 submissions from 2 submitters: Likely benign (2). Last evaluated 2023-10-23.

Conditions:
RYR1-related disorder. Also called: RYR1-related condition; RYR1-related disorders. Identifiers: MedGen CN239331.
Malignant hyperthermia, susceptibility to, 1 (MHS1). Also called: Anesthesia related hyperthermia; Malignant hyperpyrexia; Fulminating hyperpyrexia; Pharmacogenic myopathy; Malignant hyperthermia suceptibility 1; RYR1-Related Malignant Hyperthermia Susceptibility. Identifiers: Orphanet 423, MedGen C2930980, MONDO:0007783, OMIM 145600.

Allele frequency attached by ClinVar (database versions not stated): gnomAD 0.00001; TOPMed 0.00001.

Submissions (2):

Labcorp Genetics (formerly Invitae), Labcorp
Classification: Likely benign for RYR1-related disorder. Last evaluated: 2023-10-23. Review status: criteria provided, single submitter. Criteria: Invitae Variant Classification Sherloc (09022015). Collection method: clinical testing. Allele origin: germline.

All of Us Research Program, National Institutes of Health
Classification: Likely benign for Malignant hyperthermia, susceptibility to, 1. Last evaluated: 2023-03-23. Review status: criteria provided, single submitter. Criteria: ACMG Guidelines, 2015. Collection method: clinical testing. Allele origin: germline. Inheritance: Autosomal dominant inheritance. Observed: 1 variant allele, 1 heterozygote.
Comment: This study involves interpretation of variants in research participants for the purpose of population health screening. Participant phenotype was not available at the time of variant classification. Additional details can be found in publication PMID: 35346344, PMCID: PMC8962531

NM_000540.3(RYR1):c.7660C>T (p.Leu2554=)

Gene: RYR1 (ryanodine receptor 1; plus strand). Cytogenetic location: 19q13.2.
Variant type: single nucleotide variant.
Coding change: c.7660C>T on transcript NM_000540.3 (MANE Select); coding-DNA position 7660, C replaced by T.
Protein change: p.Leu2554=; no amino-acid change (leucine 2554 retained).
Molecular consequence: synonymous variant.
Genome position (GRCh38, 1-based): chr19:38,502,552, C>T. VCF-style: chr19-38502552-C-T. GRCh37 (hg19) VCF-style: chr19-38993192-C-T.
Other names: c.7660C>T, p.Leu2554= (NM_001042723.2).
Identifiers: ClinVar variation 1155593 (VCV001155593.10), dbSNP rs1227506632, ClinGen allele CA507243715.
Genomic context (GRCh38, chr19:38,502,552, plus strand): 5'-CACCCTGCGCCCTAGGCCACTTTCAGCACCACCGAGATGGCGCTGGCGCTGAACCGCTAC[C>T]TGTGCCTGGCCGTGCTGCCGCTCATCACCAAGTGTGCGCCGCTCTTTGCGGGCACAGAAC-3'
Protein context (NP_000531.2, residues 2544-2564): TEMALALNRY[Leu2554=]CLAVLPLITK